The following is an entry in ClinVar:

ClinVar aggregate classification (germline): Pathogenic (1 of 4 stars; one submission).

Conditions:
Orofacial cleft 6, susceptibility to (OFC6). Also called: CLEFT LIP WITH OR WITHOUT CLEFT PALATE, NONSYNDROMIC, 6. Identifiers: MedGen C1837213, MONDO:0012141, OMIM 608864.
Popliteal pterygium syndrome (PPS). Identifiers: Orphanet 294963, MedGen C0265259, MONDO:0017435.
Van der Woude syndrome. Identifiers: Orphanet 888, MedGen C0175697, MONDO:0019508.

Submission:

Labcorp Genetics (formerly Invitae), Labcorp
Classification: Pathogenic for Orofacial cleft 6, susceptibility to; Van der Woude syndrome; Popliteal pterygium syndrome. Last evaluated: 2020-06-18. Review status: criteria provided, single submitter. Criteria: Invitae Variant Classification Sherloc (09022015). Collection method: clinical testing. Allele origin: germline.
Comment: This variant has not been reported in the literature in individuals with IRF6-related conditions. For these reasons, this variant has been classified as Pathogenic. Loss-of-function variants in IRF6 are known to be pathogenic (PMID: 19282774, 23949966). This variant is not present in population databases (ExAC no frequency). This sequence change creates a premature translational stop signal (p.Glu147Lysfs*20) in the IRF6 gene. It is expected to result in an absent or disrupted protein product.

Literature cited by the submitters: PubMed 19282774; PubMed 23949966.

NM_006147.4(IRF6):c.439del (p.Glu147fs)

Gene: IRF6 (interferon regulatory factor 6; minus strand). Cytogenetic location: 1q32.2.
Variant type: Deletion.
Coding change: c.439del on transcript NM_006147.4 (MANE Select); coding-DNA position 439, one base deleted (G; older notation c.439delG).
Protein change: p.Glu147fs; shifts the reading frame from glutamic acid 147.
Molecular consequence: frameshift variant.
Genome position (GRCh38, 1-based): chr1:209,795,359, C deleted on the plus strand (G on the coding strand, the reverse complement: IRF6 is on the minus strand); the first of 2 consecutive C bases (chr1:209,795,359-209,795,360); deleting either gives the same sequence. VCF-style (leftmost placement, unchanged base first): chr1-209795358-TC-T. GRCh37 (hg19) VCF-style: chr1-209968703-TC-T.
Other names: c.154del, p.Glu52fs (NM_001206696.2); short protein forms E147fs, E52fs.
Identifiers: ClinVar variation 1075467 (VCV001075467.7), dbSNP rs2102541666, ClinGen allele CA2499214419.
Genomic context (GRCh38, chr1:209,795,358, plus strand): 5'-TTCAGGAAGGGGAAGGTGTCCTGGATGGGAACATGGTGCTGCGACTGATCCAGCTCATCT[TC>T]CTCATCTTCTTCATCCACATCATTATCCTTCTCATCCCAGGGAGCAGACCCTGTGGATCC-3'